The following is an entry in ClinVar:

NM_001040616.3(LINS1):c.1861dup (p.Arg621fs)

Gene: LINS1 (lines homolog 1; minus strand). Cytogenetic location: 15q26.3.
Variant type: Duplication.
Coding change: c.1861dup on transcript NM_001040616.3 (MANE Select); coding-DNA position 1861, one base duplicated (C; older notation c.1861dupC).
Protein change: p.Arg621fs; shifts the reading frame from arginine 621.
Molecular consequence: frameshift variant. On other transcripts: non-coding transcript variant (3).
Genome position (GRCh38, 1-based): chr15:100,569,651, G duplicated on the plus strand (C on the coding strand, the reverse complement: LINS1 is on the minus strand); the first of 6 consecutive G bases (chr15:100,569,651-100,569,656); duplicating any one gives the same sequence. VCF-style (leftmost placement, unchanged base first): chr15-100569650-C-CG. GRCh37 (hg19) VCF-style: chr15-101109855-C-CG.
Other names: c.1114dup, p.Arg372fs (NM_001352507.2); c.1708dup, p.Arg570fs (NM_001352508.2); short protein forms R372fs, R570fs, R621fs.
Identifiers: ClinVar variation 4975045 (VCV004975045.1).
Genomic context (GRCh38, chr15:100,569,650, plus strand): 5'-TCTGTGGATTCCACGTCAGAATCGTCAGAGCTGTCGTAATCTACCAGACTTTGAGAGGCC[C>CG]GGGGGGAAGACAGACTAGAAGCACACATGGTGTGAGCCCCCTTGGACATCACAGCTTTCA-3'

ClinVar aggregate classification (germline): Likely pathogenic (1 of 4 stars; one submission).

Submission:

GeneDx
Classification: Likely pathogenic. Last evaluated: 2026-03-15. Review status: criteria provided, single submitter. Criteria: GeneDx Variant Classification Process June 2021. Collection method: clinical testing. Allele origin: germline.
Comment: Frameshift variant predicted to result in abnormal protein length as the last 137 amino acid(s) are replaced with 12 different amino acid(s), and other similar variants have been reported in HGMD; Not observed at significant frequency in large population cohorts (gnomAD); Has not been previously published as pathogenic or benign to our knowledge